The following is an entry in ClinVar:

NM_001198950.3(MYO16):c.3494T>G (p.Leu1165Trp)

Gene: MYO16 (myosin XVI; plus strand). Cytogenetic location: 13q33.3.
Variant type: single nucleotide variant.
Coding change: c.3494T>G on transcript NM_001198950.3 (MANE Select); coding-DNA position 3494, T replaced by G.
Protein change: p.Leu1165Trp; replaces leucine 1165 with tryptophan.
Molecular consequence: missense variant.
Genome position (GRCh38, 1-based): chr13:109,120,425, T>G. VCF-style: chr13-109120425-T-G. GRCh37 (hg19) VCF-style: chr13-109772773-T-G.
Other names: c.3428T>G, p.Leu1143Trp (NM_015011.3); short protein forms L1143W, L1165W.
Identifiers: ClinVar variation 161689 (VCV000161689.2), dbSNP rs193921058, ClinGen allele CA174601.
Genomic context (GRCh38, chr13:109,120,425, plus strand): 5'-TTTAGATGGGAGTCCGAAAAGTGTTTCTAAAATACTGGCATGCTGACCAACTCAATGATT[T>G]GTGCCTACAGTTGCAGAGAAAAATTATAACCTGCCAAAAAGGTAACATTTATATGCCAAC-3'
Protein context (NP_001185879.1, residues 1155-1175): KYWHADQLND[Leu1165Trp]CLQLQRKIIT

ClinVar aggregate classification (germline): Uncertain significance (0 of 4 stars; one submission).

Conditions:
Prostate cancer. Also called: Malignant tumor of prostate. Identifiers: Orphanet 1331, MedGen C0376358, MONDO:0008315, HP:0012125.

Allele frequency attached by ClinVar (database versions not stated): gnomAD 0.00001; TOPMed 0.00001.
gnomAD v4.1: 1 of 1,612,726 alleles (0.000062%); highest among the groups gnomAD compares: African/African-American, 0.0013%; no homozygotes.

Submission:

Science for Life laboratory,  Karolinska Institutet
Classification: Uncertain significance for Malignant tumor of prostate. Review status: no assertion criteria provided. Collection method: not provided. Allele origin: somatic.
Comment: TumorID:SWE-9
ClinVar note: Converted during submission from Unknown to Uncertain significance.